The following is an entry in ClinVar:

ClinVar aggregate classification (germline): Uncertain significance (1 of 4 stars; one submission).

Conditions:
Long QT syndrome (LQTS). Identifiers: MedGen C0023976, MeSH D008133, MONDO:0002442. Disease mechanism: loss of function. Inheritance: Various modes of inheritance.

Allele frequency attached by ClinVar (database versions not stated): gnomAD exomes 0.00001; ExAC 0.00002.
gnomAD v4.1: 10 of 1,613,882 alleles (0.00062%); highest among the groups gnomAD compares: Non-Finnish European, 0.00085%; no homozygotes.

Submission:

Labcorp Genetics (formerly Invitae), Labcorp
Classification: Uncertain significance for Long QT syndrome. Last evaluated: 2023-07-08. Review status: criteria provided, single submitter. Criteria: Invitae Variant Classification Sherloc (09022015). Collection method: clinical testing. Allele origin: germline.
Comment: This variant has not been reported in the literature in individuals affected with SNTA1-related conditions. This variant is present in population databases (rs752552345, gnomAD 0.003%). This sequence change replaces glutamine, which is neutral and polar, with arginine, which is basic and polar, at codon 265 of the SNTA1 protein (p.Gln265Arg). Advanced modeling of protein sequence and biophysical properties (such as structural, functional, and spatial information, amino acid conservation, physicochemical variation, residue mobility, and thermodynamic stability) performed at Invitae indicates that this missense variant is not expected to disrupt SNTA1 protein function. In summary, the available evidence is currently insufficient to determine the role of this variant in disease. Therefore, it has been classified as a Variant of Uncertain Significance.

NM_003098.3(SNTA1):c.794A>G (p.Gln265Arg)

Gene: SNTA1 (syntrophin alpha 1; minus strand). Cytogenetic location: 20q11.21.
Variant type: single nucleotide variant.
Coding change: c.794A>G on transcript NM_003098.3 (MANE Select); coding-DNA position 794, A replaced by G.
Protein change: p.Gln265Arg; replaces glutamine 265 with arginine.
Molecular consequence: missense variant.
Genome position (GRCh38, 1-based): chr20:33,412,690, T>C on the plus strand (A>G on the coding strand, the complement: SNTA1 is on the minus strand). VCF-style: chr20-33412690-T-C. GRCh37 (hg19) VCF-style: chr20-32000496-T-C.
Other names: c.794A>G, p.Gln265Arg (NM_001424413.1, NM_001424414.1); short protein forms Q265R.
Identifiers: ClinVar variation 2738895 (VCV002738895.3), dbSNP rs752552345, ClinGen allele CA9817142.